The following is an entry in ClinVar:

NC_000010.11:g.(?_84195494)_(84222680_?)del

Genes: CDHR1 (cadherin related family member 1; plus strand), LRIT2 (leucine rich repeat, Ig-like and transmembrane domains 2; minus strand). Cytogenetic location: 10q23.1.
Variant type: Deletion.
Identifiers: ClinVar variation 830713 (VCV000830713.7).

ClinVar aggregate classification (germline): Pathogenic (1 of 4 stars; one submission).

Submission:

Labcorp Genetics (formerly Invitae), Labcorp
Classification: Pathogenic. Last evaluated: 2019-10-02. Review status: criteria provided, single submitter. Criteria: Invitae Variant Classification Sherloc (09022015). Collection method: clinical testing. Allele origin: germline.
Comment: For these reasons, this variant has been classified as Pathogenic. This variant disrupts the C-terminus of the CDHR1 protein. Other variant(s) that disrupt this region (c.2040+5G>T) have been determined to be pathogenic (PMID: 28765526). This suggests that variants that disrupt this region of the protein are likely to be causative of disease. This variant has not been reported in the literature in individuals with CDHR1-related conditions. This variant is a gross deletion of the genomic region encompassing exons 2-17 of the CDHR1 gene. The 5' boundary is likely confined to intron 1. The 3' end of this event is unknown as it extends through the termination codon beyond the assayed region for this gene and may encompass additional genes. While this deletion is not anticipated to result in nonsense mediated decay, it is expected to create a truncated protein product or disrupt mRNA translation.

Literature cited by the submitters: PubMed 28765526.